The following is an entry in ClinVar:

ClinVar aggregate classification (germline): Conflicting classifications of pathogenicity. Review status: criteria provided, conflicting classifications (1 of 4 stars). 2 submissions from 1 submitter: Uncertain significance (1); Benign (1). Last evaluated 2018-01-12.

Conditions:
Optic atrophy 3 (OPA3). Also called: OPTIC ATROPHY 3, AUTOSOMAL DOMINANT; Optic atrophy, cataract, and neurologic disorder; Optic atrophy 3 with cataract. Identifiers: Orphanet 67036, MedGen C1833809, MONDO:0008133, OMIM 165300.
3-Methylglutaconic aciduria type 3 (MGCA3). Also called: OPA3, AUTOSOMAL RECESSIVE; OPTIC ATROPHY 3, AUTOSOMAL RECESSIVE; Costeff Syndrome; OPA3-Related 3-Methylglutaconic Aciduria. Identifiers: Orphanet 67047, MedGen C0574084, MONDO:0009787, OMIM 258501.

Allele frequency attached by ClinVar (database versions not stated): 1000 Genomes Project 30x 0.00234; gnomAD 0.00249 and 0.00271; 1000 Genomes Project 0.00260; TOPMed 0.00291.

Submissions (2):

Illumina Laboratory Services, Illumina
Classification: Benign for Optic atrophy 3. Last evaluated: 2018-01-12. Review status: criteria provided, single submitter. Criteria: ICSL Variant Classification Criteria 13 December 2019. Collection method: clinical testing. Allele origin: germline.
Comment: This variant was observed in the ICSL laboratory as part of a predisposition screen in an ostensibly healthy population. It had not been previously curated by ICSL or reported in the Human Gene Mutation Database (HGMD: prior to June 1st, 2018), and was therefore a candidate for classification through an automated scoring system. Utilizing variant allele frequency, disease prevalence and penetrance estimates, and inheritance mode, an automated score was calculated to assess if this variant is too frequent to cause the disease. Based on the score and internal cut-off values, a variant classified as benign is not then subjected to further curation. The score for this variant resulted in a classification of benign for this disease.

Illumina Laboratory Services, Illumina
Classification: Uncertain significance for 3-Methylglutaconic aciduria type 3. Last evaluated: 2018-01-12. Review status: criteria provided, single submitter. Criteria: ICSL Variant Classification Criteria 13 December 2019. Collection method: clinical testing. Allele origin: germline.

NM_025136.4(OPA3):c.*5944G>A

Genes: OPA3 (outer mitochondrial membrane lipid metabolism regulator OPA3; minus strand), OPA3-RTN2 (OPA3-RTN2 readthrough; minus strand). Cytogenetic location: 19q13.32.
Variant type: single nucleotide variant.
Coding change: c.*5944G>A on transcript NM_025136.4 (MANE Select); 5944 bases downstream of the stop codon, G replaced by A.
Molecular consequence: 3 prime UTR variant. On other transcripts: intron variant (1).
Genome position (GRCh38, 1-based): chr19:45,547,570, C>T on the plus strand (G>A on the coding strand, the complement: OPA3 is on the minus strand). VCF-style: chr19-45547570-C-T. GRCh37 (hg19) VCF-style: chr19-46050828-C-T.
Other names: c.143-18114G>A (NM_001017989.3).
Identifiers: ClinVar variation 329575 (VCV000329575.5), dbSNP rs190885103, ClinGen allele CA10648846.